The following is an entry in ClinVar:

ClinVar aggregate classification (germline): Likely benign. Review status: criteria provided, single submitter (1 of 4 stars). 2 submissions from 2 submitters: Likely benign (1). 1 of the submissions does not count toward it. Last evaluated 2026-03-21.

Conditions:
PKD1-related disorder. Also called: PKD1-related condition.

Allele frequency attached by ClinVar (database versions not stated): gnomAD 0.00001; gnomAD exomes 0.00001; TOPMed 0.00002; ExAC 0.00005; 1000 Genomes Project 0.00020; 1000 Genomes Project 30x 0.00031.
gnomAD v4.1: 23 of 1,594,628 alleles (0.0014%); highest among the groups gnomAD compares: South Asian, 0.0077%; no homozygotes.

Submissions (2):

Women's Health and Genetics/Laboratory Corporation of America, LabCorp
Classification: Likely benign. Last evaluated: 2026-03-21. Review status: criteria provided, single submitter. Criteria: LabCorp Variant Classification Summary - May 2015. Collection method: clinical testing. Allele origin: germline.

PreventionGenetics, part of Exact Sciences
Classification: Likely benign for PKD1-related condition. Last evaluated: 2019-06-04. Review status: no assertion criteria provided. Collection method: clinical testing. Allele origin: germline. Not counted in ClinVar's aggregate classification.
Comment: This variant is classified as likely benign based on ACMG/AMP sequence variant interpretation guidelines (Richards et al. 2015 PMID: 25741868, with internal and published modifications).

NM_001009944.3(PKD1):c.7380C>T (p.Cys2460=)

Gene: PKD1 (polycystin 1, transient receptor potential channel interacting; minus strand). Cytogenetic location: 16p13.3.
Variant type: single nucleotide variant.
Coding change: c.7380C>T on transcript NM_001009944.3 (MANE Select); coding-DNA position 7380, C replaced by T.
Protein change: p.Cys2460=; no amino-acid change (cysteine 2460 retained).
Molecular consequence: synonymous variant.
Genome position (GRCh38, 1-based): chr16:2,106,507, G>A on the plus strand (C>T on the coding strand, the complement: PKD1 is on the minus strand). VCF-style: chr16-2106507-G-A. GRCh37 (hg19) VCF-style: chr16-2156508-G-A.
Other names: c.7380C>T, p.Cys2460= (NM_000296.4).
Identifiers: ClinVar variation 3038776 (VCV003038776.3), dbSNP rs540447243, ClinGen allele CA7831155.
Genomic context (GRCh38, chr16:2,106,507, plus strand): 5'-TGGGAAGAGGCGGCAAGAGCCCCCCAGCGGCGGGCGGTTGGGGGACAGGCGGATGGAGGC[G>A]CAGCCCTCCTCCTCGCCAGAGCGGCCCAGCACCGTGAGCGTGAAGGTGTATCCCTCGCCG-3'
Protein context (NP_001009944.3, residues 2450-2470): VLGRSGEEEG[Cys2460=]ASIRLSPNRP